The following is an entry in ClinVar:

ClinVar aggregate classification (germline): Uncertain significance (1 of 4 stars; one submission).

Conditions:
Tuberous sclerosis 1 (TSC1). Identifiers: Orphanet 805, MedGen C1854465, MONDO:0008612, OMIM 191100.

Submission:

Helix
Classification: Uncertain significance for Tuberous sclerosis 1. Last evaluated: 2026-01-28. Review status: criteria provided, single submitter. Criteria: ACMG Guidelines, 2015. Collection method: clinical testing. Allele origin: germline. Inheritance: Autosomal dominant inheritance.
Comment: This variant (NM_000368.5:c.3355A>G p.Thr1119Ala) results in the substitution of threonine with alanine at codon 1119 in the TSC1 protein. It is a rare variant that is absent from the large gnomAD population database (v4.1). To our knowledge, this variant has not been reported in individuals with TSC1-related conditions in the published literature. In silico prediction from REVEL (PMID: 27666373) suggests that this variant may be benign. In conclusion, since the available evidence is limited, the clinical significance of this variant is unclear at this time. Therefore, it is classified as a Variant of Uncertain Significance.

NM_000368.5(TSC1):c.3355A>G (p.Thr1119Ala)

Gene: TSC1 (TSC complex subunit 1; minus strand). Cytogenetic location: 9q34.13.
Variant type: single nucleotide variant.
Coding change: c.3355A>G on transcript NM_000368.5 (MANE Select); coding-DNA position 3355, A replaced by G.
Protein change: p.Thr1119Ala; replaces threonine 1119 with alanine.
Molecular consequence: missense variant. On other transcripts: non-coding transcript variant (5).
Genome position (GRCh38, 1-based): chr9:132,896,375, T>C on the plus strand (A>G on the coding strand, the complement: TSC1 is on the minus strand). VCF-style: chr9-132896375-T-C. GRCh37 (hg19) VCF-style: chr9-135771762-T-C.
Other names: c.3352A>G, p.Thr1118Ala (NM_001162426.2, NM_001406597.1, NM_001406598.1 and 2 more transcripts); c.3202A>G, p.Thr1068Ala (NM_001162427.2, NM_001406610.1); c.2992A>G, p.Thr998Ala (NM_001362177.2, NM_001406614.1, NM_001406615.1 and 4 more transcripts); c.3355A>G, p.Thr1119Ala (NM_001406592.1, NM_001406593.1, NM_001406594.1 and 2 more transcripts); c.3340A>G, p.Thr1114Ala (NM_001406601.1, NM_001406602.1); c.3337A>G, p.Thr1113Ala (NM_001406603.1, NM_001406604.1); c.3313A>G, p.Thr1105Ala (NM_001406605.1, NM_001406606.1, NM_001406607.1); c.3310A>G, p.Thr1104Ala (NM_001406608.1, NM_001406609.1); and 8 more; short protein forms T1053A, T1067A, T1068A, T1104A, T1105A, T1113A, T1114A, T1118A.
Identifiers: ClinVar variation 4890805 (VCV004890805.1).